The following is an entry in ClinVar:

NM_181882.3(PRX):c.1953T>C (p.Asp651=)

Gene: PRX (periaxin; minus strand). Cytogenetic location: 19q13.2.
Variant type: single nucleotide variant.
Coding change: c.1953T>C on transcript NM_181882.3 (MANE Select); coding-DNA position 1953, T replaced by C.
Protein change: p.Asp651=; no amino-acid change (aspartic acid 651 retained).
Molecular consequence: synonymous variant. On other transcripts: 3 prime UTR variant (1).
Genome position (GRCh38, 1-based): chr19:40,396,399, A>G on the plus strand (T>C on the coding strand, the complement: PRX is on the minus strand). VCF-style: chr19-40396399-A-G. GRCh37 (hg19) VCF-style: chr19-40902306-A-G.
Other names: c.2238T>C, p.Asp746= (NM_001411127.1); c.*2158T>C (NM_020956.2).
Identifiers: ClinVar variation 2032125 (VCV002032125.28), dbSNP rs768648131, ClinGen allele CA9444161.

ClinVar aggregate classification (germline): Likely benign. Review status: criteria provided, multiple submitters, no conflicts (2 of 4 stars). 2 submissions from 2 submitters: Likely benign (2). Last evaluated 2023-01-01.

Conditions:
Charcot-Marie-Tooth disease type 4. Also called: Charcot-Marie-Tooth, Type 4; Charcot-Marie-Tooth disease, type IV. Identifiers: Orphanet 64749, MedGen C4082197, MONDO:0018995.

Allele frequency attached by ClinVar (database versions not stated): gnomAD exomes below 0.00001; ExAC 0.00001.
gnomAD v4.1: 3 of 1,612,524 alleles (0.00019%); highest among the groups gnomAD compares: South Asian, 0.0011%; no homozygotes.

Submissions (2):

CeGaT Center for Human Genetics Tuebingen
Classification: Likely benign. Last evaluated: 2023-01-01. Review status: criteria provided, single submitter. Criteria: CeGaT Center For Human Genetics Tuebingen Variant Classification Criteria Version 2. Collection method: clinical testing. Allele origin: germline. Affected: yes. Observed: 1 variant allele.
Comment: PRX: BP4, BP7

Labcorp Genetics (formerly Invitae), Labcorp
Classification: Likely benign for Charcot-Marie-Tooth disease type 4. Last evaluated: 2022-09-23. Review status: criteria provided, single submitter. Criteria: Invitae Variant Classification Sherloc (09022015). Collection method: clinical testing. Allele origin: germline.